The following is an entry in ClinVar:

ClinVar aggregate classification (germline): Pathogenic (1 of 4 stars; one submission).

Conditions:
Autosomal recessive congenital ichthyosis 1 (LI1). Also called: COLLODION FETUS; DESQUAMATION OF NEWBORN; ICHTHYOSIS CONGENITA; ICHTHYOSIS CONGENITA II; LAMELLAR EXFOLIATION OF NEWBORN; ICHTHYOSIS, CONGENITAL, AUTOSOMAL RECESSIVE 1, WITH BATHING SUIT DISTRIBUTION. Identifiers: MedGen C4551630, MONDO:0009441, OMIM 242300.

Submission:

Myriad Genetics, Inc.
Classification: Pathogenic for Autosomal recessive congenital ichthyosis 1. Last evaluated: 2023-09-22. Review status: criteria provided, single submitter. Criteria: Myriad Autosomal Dominant, Autosomal Recessive and X-Linked Classification Criteria (2023). Collection method: clinical testing. Allele origin: unknown.
Comment: NM_000359.2(TGM1):c.903_904ins10(L302Kfs*2) is expected to be pathogenic in the context of TGM1-related autosomal recessive congenital ichthyosis. This variant is predicted to lead to an abnormal or absent protein product due to the creation of a premature termination codon in TGM1, a gene where loss-of-function variants are known to be pathogenic. Please note: this variant was assessed in the context of healthy population screening.

NM_000359.3(TGM1):c.903_904insAAATAGAGAG (p.Leu302delinsLysTer)

Gene: TGM1 (transglutaminase 1; minus strand). Cytogenetic location: 14q12.
Variant type: Insertion.
Coding change: c.903_904insAAATAGAGAG on transcript NM_000359.3 (MANE Select); coding-DNA positions 903 to 904, AAATAGAGAG inserted.
Protein change: p.Leu302delinsLysTer.
Molecular consequence: nonsense.
Genome position: GRCh38 VCF-style: chr14-24259784-A-ACTCTCTATTT. GRCh37 (hg19) VCF-style: chr14-24728990-A-ACTCTCTATTT.
Identifiers: ClinVar variation 5011726 (VCV005011726.1).
Genomic context (GRCh38, chr14:24,259,784, plus strand): 5'-AGACATTGACTGGGTCTCCACGGCCTCCATATGGCATCCCCCGCCGGTCCAGGATGTATA[A>ACTCTCTATTT]GCAGGCATCCAGCACCCCGTGGTCAAACTGGAAGGAGGGATGGAGGGCAGAGGTGACAGC-3'